The following is an entry in ClinVar:

ClinVar aggregate classification (germline): Pathogenic. Review status: criteria provided, multiple submitters, no conflicts (2 of 4 stars). 2 submissions from 2 submitters: Pathogenic (2). Last evaluated 2024-05-08.

Conditions:
Pendred syndrome (PDS). Also called: Pendred Syndrome (PDS); DEAFNESS WITH GOITER; GOITER-DEAFNESS SYNDROME; HYPOTHYROIDISM, CONGENITAL, DUE TO DYSHORMONOGENESIS, 2B; THYROID DYSHORMONOGENESIS 2B; THYROID HORMONOGENESIS, GENETIC DEFECT IN, 2B. Identifiers: Orphanet 705, MedGen C0271829, MONDO:0010134, OMIM 274600.

Submissions (2):

Myriad Genetics, Inc.
Classification: Pathogenic for Pendred syndrome. Last evaluated: 2024-05-08. Review status: criteria provided, single submitter. Criteria: Myriad Autosomal Dominant, Autosomal Recessive and X-Linked Classification Criteria (2023). Collection method: clinical testing. Allele origin: unknown.
Comment: NM_000441.1(SLC26A4):c.1058C>G(S353*) is expected to be pathogenic in the context of Pendred syndrome. This variant is predicted to lead to an abnormal or absent protein product due to the creation of a premature termination codon in SLC26A4, a gene where loss-of-function variants are known to be pathogenic. Please note: this variant was assessed in the context of healthy population screening.

Labcorp Genetics (formerly Invitae), Labcorp
Classification: Pathogenic. Last evaluated: 2022-06-01. Review status: criteria provided, single submitter. Criteria: Invitae Variant Classification Sherloc (09022015). Collection method: clinical testing. Allele origin: germline.
Comment: This sequence change creates a premature translational stop signal (p.Ser353*) in the SLC26A4 gene. It is expected to result in an absent or disrupted protein product. Loss-of-function variants in SLC26A4 are known to be pathogenic (PMID: 16283880, 25394566, 26252218, 26445815). This variant is not present in population databases (gnomAD no frequency). This variant has not been reported in the literature in individuals affected with SLC26A4-related conditions. For these reasons, this variant has been classified as Pathogenic.

Literature cited by the submitters: PubMed 16283880 (cited by Labcorp Genetics (formerly Invitae), Labcorp); PubMed 25394566 (cited by Labcorp Genetics (formerly Invitae), Labcorp); PubMed 26252218 (cited by Labcorp Genetics (formerly Invitae), Labcorp); PubMed 26445815 (cited by Labcorp Genetics (formerly Invitae), Labcorp).

NM_000441.2(SLC26A4):c.1058C>G (p.Ser353Ter)

Gene: SLC26A4 (solute carrier family 26 member 4; plus strand). Cytogenetic location: 7q22.3.
Variant type: single nucleotide variant.
Coding change: c.1058C>G on transcript NM_000441.2 (MANE Select); coding-DNA position 1058, C replaced by G.
Protein change: p.Ser353Ter; replaces serine 353 with a stop codon.
Molecular consequence: nonsense.
Genome position (GRCh38, 1-based): chr7:107,689,109, C>G. VCF-style: chr7-107689109-C-G. GRCh37 (hg19) VCF-style: chr7-107329554-C-G.
Other names: short protein forms S353*.
Identifiers: ClinVar variation 2126593 (VCV002126593.5), dbSNP rs2535317755, ClinGen allele CA368838569.
Genomic context (GRCh38, chr7:107,689,109, plus strand): 5'-CTAGGTTTTTGCCTCCTGAACTTCCACCTGTGAGCTTGTTCTCGGAGATGCTGGCTGCAT[C>G]ATTTTCCATCGCTGTGGTGGCTTATGCTATTGCAGTGTCAGTAGGAAAAGTATATGCCAC-3'